The following is an entry in ClinVar:

ClinVar aggregate classification (germline): Likely benign. Review status: criteria provided, multiple submitters, no conflicts (2 of 4 stars). 4 submissions from 4 submitters: Likely benign (4). Last evaluated 2025-08-18.

Allele frequency attached by ClinVar (database versions not stated): 1000 Genomes Project 0.00339; 1000 Genomes Project 30x 0.00406; gnomAD 0.00516 and 0.00522; ExAC 0.00524; gnomAD exomes 0.00528 and 0.00634; TOPMed 0.00540; ESP Exome Variant Server 0.00700.
gnomAD v4.1: 10,072 of 1,613,834 alleles (0.62%); highest among the groups gnomAD compares: Middle Eastern, 0.84%; 61 homozygotes.

Submissions (4):

Genomic Medicine Center of Excellence, King Faisal Specialist Hospital and Research Centre
Classification: Likely benign. Last evaluated: 2025-08-18. Review status: criteria provided, single submitter. Criteria: ACMG Guidelines, 2015. Collection method: clinical testing. Allele origin: germline.

CeGaT Center for Human Genetics Tuebingen
Classification: Likely benign. Last evaluated: 2023-04-01. Review status: criteria provided, single submitter. Criteria: CeGaT Center For Human Genetics Tuebingen Variant Classification Criteria Version 2. Collection method: clinical testing. Allele origin: germline. Affected: yes. Observed: 1 variant allele.
Comment: CCDC80: BS2

Labcorp Genetics (formerly Invitae), Labcorp
Classification: Likely benign. Last evaluated: 2018-03-29. Review status: criteria provided, single submitter. Criteria: Invitae Variant Classification Sherloc (09022015). Collection method: clinical testing. Allele origin: germline.

Breakthrough Genomics
Classification: Likely benign. Review status: criteria provided, single submitter. Criteria: ACMG Guidelines, 2015. Collection method: not provided. Allele origin: germline. Inheritance: Unknown mechanism. Affected: yes.

NM_199511.3(CCDC80):c.2812T>C (p.Tyr938His)

Gene: CCDC80 (coiled-coil domain containing 80; minus strand). Cytogenetic location: 3q13.2.
Variant type: single nucleotide variant.
Coding change: c.2812T>C on transcript NM_199511.3 (MANE Select); coding-DNA position 2812, T replaced by C.
Protein change: p.Tyr938His; replaces tyrosine 938 with histidine.
Molecular consequence: missense variant.
Genome position (GRCh38, 1-based): chr3:112,605,458, A>G on the plus strand (T>C on the coding strand, the complement: CCDC80 is on the minus strand). VCF-style: chr3-112605458-A-G. GRCh37 (hg19) VCF-style: chr3-112324305-A-G.
Other names: c.2812T>C, p.Tyr938His (NM_199512.3); short protein forms Y938H.
Identifiers: ClinVar variation 717696 (VCV000717696.29), dbSNP rs114697626, ClinGen allele CA2540209.